The following is an entry in ClinVar:

ClinVar aggregate classification (germline): Benign. Review status: criteria provided, multiple submitters, no conflicts (2 of 4 stars). 12 submissions from 12 submitters: Benign (10). 2 of the submissions do not count toward it. Last evaluated 2026-01-28.

Conditions:
Focal segmental glomerulosclerosis 5 (FSGS5). Identifiers: Orphanet 656, MedGen C2750475, MONDO:0013191, OMIM 613237.
Charcot-Marie-Tooth disease dominant intermediate E. Also called: CHARCOT-MARIE-TOOTH NEUROPATHY WITH FOCAL SEGMENTAL GLOMERULONEPHRITIS. Identifiers: Orphanet 93114, MedGen C4302667, MONDO:0013758, OMIM 614455.
Kidney disorder. Also called: Kidney disease; Kidney Diseases; renal disorder; Nephropathy; renal disease. Identifiers: MedGen C0022658, MONDO:0005240, HP:0000112.

Allele frequency attached by ClinVar (database versions not stated): gnomAD exomes 0.00644; ExAC 0.01186; gnomAD 0.02241 and 0.02373; ESP Exome Variant Server 0.02336; TOPMed 0.02531; 1000 Genomes Project 0.02536; 1000 Genomes Project 30x 0.02655.
gnomAD v4.1: 8,034 of 1,598,020 alleles (0.5%); highest among the groups gnomAD compares: African/African-American, 7.5%; 236 homozygotes.

Submissions (12):

Labcorp Genetics (formerly Invitae), Labcorp
Classification: Benign for Charcot-Marie-Tooth disease dominant intermediate E; Focal segmental glomerulosclerosis 5. Last evaluated: 2026-01-28. Review status: criteria provided, single submitter. Criteria: Invitae Variant Classification Sherloc (09022015). Collection method: clinical testing. Allele origin: germline.

Blueprint Genetics
Classification: Benign. Last evaluated: 2024-11-26. Review status: criteria provided, single submitter. Criteria: ACMG Guidelines, 2015. Collection method: clinical testing. Allele origin: germline.

ARUP Laboratories, Molecular Genetics and Genomics, ARUP Laboratories
Classification: Benign. Last evaluated: 2023-11-01. Review status: criteria provided, single submitter. Criteria: ARUP Molecular Germline Variant Investigation Process 2024. Collection method: clinical testing. Allele origin: germline.

Mayo Clinic Laboratories, Mayo Clinic
Classification: Benign. Last evaluated: 2023-04-10. Review status: criteria provided, single submitter. Criteria: ACMG Guidelines, 2015. Collection method: clinical testing. Allele origin: germline. Observed: 32 variant alleles.

Athena Diagnostics
Classification: Benign. Last evaluated: 2019-04-05. Review status: criteria provided, single submitter. Criteria: Athena Diagnostics Criteria. Collection method: clinical testing. Allele origin: germline.

Genome Diagnostics Laboratory, The Hospital for Sick Children
Classification: Benign for Kidney disorder. Last evaluated: 2018-06-01. Review status: criteria provided, single submitter. Criteria: ACMG Guidelines, 2015. Collection method: clinical testing. Allele origin: germline.

Illumina Laboratory Services, Illumina
Classification: Benign for Focal segmental glomerulosclerosis 5. Last evaluated: 2018-01-12. Review status: criteria provided, single submitter. Criteria: ICSL Variant Classification Criteria 13 December 2019. Collection method: clinical testing. Allele origin: germline.
Comment: This variant was observed in the ICSL laboratory as part of a predisposition screen in an ostensibly healthy population. It had not been previously curated by ICSL or reported in the Human Gene Mutation Database (HGMD: prior to June 1st, 2018), and was therefore a candidate for classification through an automated scoring system. Utilizing variant allele frequency, disease prevalence and penetrance estimates, and inheritance mode, an automated score was calculated to assess if this variant is too frequent to cause the disease. Based on the score and internal cut-off values, a variant classified as benign is not then subjected to further curation. The score for this variant resulted in a classification of benign for this disease.

GeneDx
Classification: Benign. Last evaluated: 2016-06-28. Review status: criteria provided, single submitter. Criteria: GeneDx Variant Classification (06012015). Collection method: clinical testing. Allele origin: germline. Affected: yes.
Comment: This variant is considered likely benign or benign based on one or more of the following criteria: it is a conservative change, it occurs at a poorly conserved position in the protein, it is predicted to be benign by multiple in silico algorithms, and/or has population frequency not consistent with disease.

Breakthrough Genomics
Classification: Benign. Review status: criteria provided, single submitter. Criteria: ACMG Guidelines, 2015. Collection method: not provided. Allele origin: germline. Inheritance: Autosomal dominant inheritance. Affected: yes.

PreventionGenetics, part of Exact Sciences
Classification: Benign. Review status: criteria provided, single submitter. Criteria: ACMG Guidelines, 2015. Collection method: clinical testing. Allele origin: germline.

Clinical Genetics, Academic Medical Center
Classification: Benign. Review status: no assertion criteria provided. Collection method: clinical testing. Allele origin: germline. Affected: yes. Study: VKGL Data-share Consensus. Not counted in ClinVar's aggregate classification.

Joint Genome Diagnostic Labs from Nijmegen and Maastricht, Radboudumc and MUMC+
Classification: Benign. Review status: no assertion criteria provided. Collection method: clinical testing. Allele origin: germline. Affected: yes. Study: VKGL Data-share Consensus. Not counted in ClinVar's aggregate classification.

Literature cited by the submitters: PubMed 21866090 (cited by Athena Diagnostics).

NM_022489.4(INF2):c.2322C>T (p.Thr774=)

Gene: INF2 (inverted formin 2; plus strand). Cytogenetic location: 14q32.33.
Variant type: single nucleotide variant.
Coding change: c.2322C>T on transcript NM_022489.4 (MANE Select); coding-DNA position 2322, C replaced by T.
Protein change: p.Thr774=; no amino-acid change (threonine 774 retained).
Molecular consequence: synonymous variant.
Genome position (GRCh38, 1-based): chr14:104,711,090, C>T. VCF-style: chr14-104711090-C-T. GRCh37 (hg19) VCF-style: chr14-105177427-C-T.
Other names: p.Thr774=; c.2322C>T, p.Thr774= (NM_001031714.4).
Identifiers: ClinVar variation 261607 (VCV000261607.36), dbSNP rs59751492, ClinGen allele CA7372893.